The following is an entry in ClinVar:

ClinVar aggregate classification (germline): Likely pathogenic (1 of 4 stars; one submission).

Conditions:
Arterial calcification, generalized, of infancy, 2. Identifiers: Orphanet 51608, MedGen C3276161, MONDO:0013768, OMIM 614473.

Submission:

Centre for Mendelian Genomics, University Medical Centre Ljubljana
Classification: Likely pathogenic for Arterial calcification, generalized, of infancy, 2. Last evaluated: 2020-03-26. Review status: criteria provided, single submitter. Criteria: ACMG Guidelines, 2015. Collection method: clinical testing. Allele origin: unknown. Affected: yes.
Comment: This variant was classified as: Likely pathogenic. The following ACMG criteria were applied in classifying this variant: PVS1,PM2.

NM_001171.6(ABCC6):c.2836del (p.Leu946fs)

Gene: ABCC6 (ATP binding cassette subfamily C member 6; minus strand). Cytogenetic location: 16p13.11.
Variant type: Deletion.
Coding change: c.2836del on transcript NM_001171.6 (MANE Select); coding-DNA position 2836, one base deleted (C; older notation c.2836delC).
Protein change: p.Leu946fs; shifts the reading frame from leucine 946.
Molecular consequence: frameshift variant. On other transcripts: non-coding transcript variant (1).
Genome position (GRCh38, 1-based): chr16:16,169,805, G deleted on the plus strand (C on the coding strand, the reverse complement: ABCC6 is on the minus strand); the first of 6 consecutive G bases (chr16:16,169,805-16,169,810); deleting any one gives the same sequence. VCF-style (leftmost placement, unchanged base first): chr16-16169804-AG-A. GRCh37 (hg19) VCF-style: chr16-16263661-AG-A.
Other names: c.2494del, p.Leu832fs (NM_001351800.1); short protein forms L946fs, L832fs.
Identifiers: ClinVar variation 930527 (VCV000930527.3), dbSNP rs2047000316, ClinGen allele CA1139664552.